The following is an entry in ClinVar:

NM_024753.5(TTC21B):c.2227G>A (p.Val743Ile)

Gene: TTC21B (tetratricopeptide repeat domain 21B; minus strand). Cytogenetic location: 2q24.3.
Variant type: single nucleotide variant.
Coding change: c.2227G>A on transcript NM_024753.5 (MANE Select); coding-DNA position 2227, G replaced by A.
Protein change: p.Val743Ile; replaces valine 743 with isoleucine.
Molecular consequence: missense variant.
Genome position (GRCh38, 1-based): chr2:165,912,609, C>T on the plus strand (G>A on the coding strand, the complement: TTC21B is on the minus strand). VCF-style: chr2-165912609-C-T. GRCh37 (hg19) VCF-style: chr2-166769119-C-T.
Other names: c.2227G>A (NM_024753.3); short protein forms V743I.
Identifiers: ClinVar variation 331829 (VCV000331829.24), dbSNP rs183367929, ClinGen allele CA1941888.

ClinVar aggregate classification (germline): Conflicting classifications of pathogenicity. Review status: criteria provided, conflicting classifications (1 of 4 stars). 9 submissions from 8 submitters: Uncertain significance (5); Likely benign (3). 1 of the submissions does not count toward it. Last evaluated 2026-01-25.

Conditions:
Nephronophthisis. Also called: Juvenile Nephronophthisis. Identifiers: Orphanet 655, MedGen C0687120, MONDO:0019005, HP:0000090.
Jeune thoracic dystrophy. Also called: Short-rib thoracic dysplasia; Infantile thoracic dystrophy; Thoracic pelvic phalangeal dystrophy; Jeune's syndrome; Chondroectodermal dysplasia-like syndrome; Jeune syndrome. Identifiers: Orphanet 474, MedGen C0265275, MONDO:0018770.
Asphyxiating thoracic dystrophy 4 (SRTD4). Also called: SHORT-RIB THORACIC DYSPLASIA 4 WITH OR WITHOUT POLYDACTYLY; SHORT-RIB THORACIC DYSPLASIA 4. Identifiers: Orphanet 474, MedGen C3151185, MONDO:0013441, OMIM 613819.
Nephronophthisis 12 (NPHP12). Identifiers: Orphanet 655, MedGen C3151186, MONDO:0013442, OMIM 613820.
Inborn genetic diseases. Identifiers: MedGen C0950123, MeSH D030342.
TTC21B-related disorder. Also called: TTC21B-related condition; TTC21B-related disorders.

Allele frequency attached by ClinVar (database versions not stated): gnomAD 0.00019; ESP Exome Variant Server 0.00038; TOPMed 0.00082; 1000 Genomes Project 0.00140; 1000 Genomes Project 30x 0.00172.
gnomAD v4.1: 200 of 1,613,992 alleles (0.012%); highest among the groups gnomAD compares: African/African-American, 0.15%; no homozygotes.

Submissions (9):

Labcorp Genetics (formerly Invitae), Labcorp
Classification: Likely benign for Jeune thoracic dystrophy; Nephronophthisis. Last evaluated: 2026-01-25. Review status: criteria provided, single submitter. Criteria: Invitae Variant Classification Sherloc (09022015). Collection method: clinical testing. Allele origin: germline.

Blueprint Genetics
Classification: Likely benign. Last evaluated: 2024-09-24. Review status: criteria provided, single submitter. Criteria: ACMG Guidelines, 2015. Collection method: clinical testing. Allele origin: germline.

Department of Pathology and Laboratory Medicine, Sinai Health System
Classification: Uncertain significance for Asphyxiating thoracic dystrophy 4; Nephronophthisis 12. Last evaluated: 2023-09-21. Review status: criteria provided, single submitter. Criteria: ACMG Guidelines, 2015. Collection method: research. Allele origin: germline.

Ambry Genetics
Classification: Uncertain significance for Inborn genetic diseases. Last evaluated: 2021-06-22. Review status: criteria provided, single submitter. Criteria: Ambry General Variant Classification Scheme_2022. Collection method: clinical testing. Allele origin: germline. Observed: 1 variant allele.

GeneDx
Classification: Likely benign. Last evaluated: 2020-09-28. Review status: criteria provided, single submitter. Criteria: GeneDx Variant Classification Process June 2021. Collection method: clinical testing. Allele origin: germline. Affected: yes.

Illumina Laboratory Services, Illumina
Classification: Uncertain significance for Nephronophthisis 12. Last evaluated: 2018-01-12. Review status: criteria provided, single submitter. Criteria: ICSL Variant Classification Criteria 13 December 2019. Collection method: clinical testing. Allele origin: germline.

Illumina Laboratory Services, Illumina
Classification: Uncertain significance for Asphyxiating thoracic dystrophy 4. Last evaluated: 2018-01-12. Review status: criteria provided, single submitter. Criteria: ICSL Variant Classification Criteria 13 December 2019. Collection method: clinical testing. Allele origin: germline.

ARUP Laboratories, Molecular Genetics and Genomics, ARUP Laboratories
Classification: Uncertain significance. Last evaluated: 2017-10-24. Review status: criteria provided, single submitter. Criteria: ARUP Molecular Germline Variant Investigation Process. Collection method: clinical testing. Allele origin: germline.

PreventionGenetics, part of Exact Sciences
Classification: Likely benign for TTC21B-related condition. Last evaluated: 2024-07-30. Review status: no assertion criteria provided. Collection method: clinical testing. Allele origin: germline. Not counted in ClinVar's aggregate classification.
Comment: This variant is classified as likely benign based on ACMG/AMP sequence variant interpretation guidelines (Richards et al. 2015 PMID: 25741868, with internal and published modifications).